The following is an entry in ClinVar:

NM_006885.4(ZFHX3):c.8524A>G (p.Ile2842Val)

Genes: ZFHX3 (zinc finger homeobox 3; minus strand), ZFHX3-AS1 (ZFHX3 antisense RNA 1; plus strand). Cytogenetic location: 16q22.2.
Variant type: single nucleotide variant.
Coding change: c.8524A>G on transcript NM_006885.4 (MANE Select); coding-DNA position 8524, A replaced by G.
Protein change: p.Ile2842Val; replaces isoleucine 2842 with valine.
Molecular consequence: missense variant.
Genome position (GRCh38, 1-based): chr16:72,794,158, T>C on the plus strand (A>G on the coding strand, the complement: ZFHX3 is on the minus strand). VCF-style: chr16-72794158-T-C. GRCh37 (hg19) VCF-style: chr16-72828057-T-C.
Other names: c.5782A>G, p.Ile1928Val (NM_001164766.2); c.8524A>G, p.Ile2842Val (NM_001386735.1); short protein forms I1928V, I2842V.
Identifiers: ClinVar variation 4795264 (VCV004795264.1).

ClinVar aggregate classification (germline): Uncertain significance (1 of 4 stars; one submission).

Submission:

GeneDx
Classification: Uncertain significance. Last evaluated: 2025-08-16. Review status: criteria provided, single submitter. Criteria: GeneDx Variant Classification Process June 2021. Collection method: clinical testing. Allele origin: germline. Affected: yes.
Comment: Not observed at significant frequency in large population cohorts (gnomAD); In silico analysis suggests that this missense variant does not alter protein structure/function; Has not been previously published as pathogenic or benign to our knowledge